The following is an entry in ClinVar:

ClinVar aggregate classification (germline): Pathogenic. Review status: criteria provided, multiple submitters, no conflicts (2 of 4 stars). 2 submissions from 2 submitters: Pathogenic (2). Last evaluated 2024-07-10.

Conditions:
Familial cancer of breast. Also called: BREAST CANCER, FAMILIAL; Hereditary breast cancer; hereditary breast carcinoma. Identifiers: Orphanet 227535, MedGen C0346153, MONDO:0016419, OMIM 114480. Disease mechanism: loss of function.

Submissions (2):

Myriad Genetics, Inc.
Classification: Pathogenic for Familial cancer of breast. Last evaluated: 2024-07-10. Review status: criteria provided, single submitter. Criteria: Myriad Autosomal Dominant, Autosomal Recessive and X-Linked Classification Criteria (2023). Collection method: clinical testing. Allele origin: unknown.
Comment: This variant is considered pathogenic. This variant creates a frameshift predicted to result in premature protein truncation.

Labcorp Genetics (formerly Invitae), Labcorp
Classification: Pathogenic for Familial cancer of breast. Last evaluated: 2014-11-06. Review status: criteria provided, single submitter. Criteria: Invitae Variant Classification Sherloc (09022015). Collection method: clinical testing. Allele origin: germline.
Comment: For these reasons, this sequence change has been classified as Pathogenic. While this particular sequence change has not been reported in the literature, truncating sequence changes in PALB2 are known to be pathogenic (PMID: 25099575, 17200668). This sequence change deletes 1 nucleotide from exon 7 of the PALB2 mRNA (c.2597delG), causing a frameshift at codon 866. This creates a premature translational stop signal (p.Gly866Valfs*5) and is expected to result in an absent or disrupted protein product.

Literature cited by the submitters: PubMed 25099575 (cited by Labcorp Genetics (formerly Invitae), Labcorp); PubMed 17200668 (cited by Labcorp Genetics (formerly Invitae), Labcorp).

NM_024675.4(PALB2):c.2597del (p.Gly866fs)

Gene: PALB2 (partner and localizer of BRCA2; minus strand). Cytogenetic location: 16p12.2.
Variant type: Deletion.
Coding change: c.2597del on transcript NM_024675.4 (MANE Select); coding-DNA position 2597, one base deleted (G; older notation c.2597delG).
Protein change: p.Gly866fs; shifts the reading frame from glycine 866.
Molecular consequence: frameshift variant.
Genome position (GRCh38, 1-based): chr16:23,626,387, C deleted on the plus strand (G on the coding strand, the reverse complement: PALB2 is on the minus strand); the first of 2 consecutive C bases (chr16:23,626,387-23,626,388); deleting either gives the same sequence. VCF-style (leftmost placement, unchanged base first): chr16-23626386-AC-A. GRCh37 (hg19) VCF-style: chr16-23637707-AC-A.
Other names: c.2597delG (NM_024675.3); short protein forms G866fs.
Identifiers: ClinVar variation 188219 (VCV000188219.10), dbSNP rs786204156, ClinGen allele CA334362.
Genomic context (GRCh38, chr16:23,626,386, plus strand): 5'-ACATGGCTCTTTACAACCGGCTCTTTCCCAAAACATGGCACTCACATCTACGGAACAGGA[AC>A]CTGAAGGATTCTGACACAATGGCAACAGTTCTGTTAAAGTGGCACTCGAGTGCTGTTTTA-3'